The following is an entry in ClinVar:

NM_012086.5(GTF3C3):c.338C>G (p.Pro113Arg)

Gene: GTF3C3 (general transcription factor IIIC subunit 3; minus strand). Cytogenetic location: 2q33.1.
Variant type: single nucleotide variant.
Coding change: c.338C>G on transcript NM_012086.5 (MANE Select); coding-DNA position 338, C replaced by G.
Protein change: p.Pro113Arg; replaces proline 113 with arginine.
Molecular consequence: missense variant.
Genome position (GRCh38, 1-based): chr2:196,793,029, G>C on the plus strand (C>G on the coding strand, the complement: GTF3C3 is on the minus strand). VCF-style: chr2-196793029-G-C. GRCh37 (hg19) VCF-style: chr2-197657753-G-C.
Other names: NC_000002.11:g.197657753G>C; c.338C>G, p.Pro113Arg (NM_001206774.2); short protein forms P113R.
Identifiers: ClinVar variation 3042047 (VCV003042047.10), dbSNP rs148776344, ClinGen allele CA2040313.

ClinVar aggregate classification (germline): Likely benign. Review status: criteria provided, single submitter (1 of 4 stars). 2 submissions from 2 submitters: Likely benign (1). 1 of the submissions does not count toward it. Last evaluated 2025-11-01.

Conditions:
GTF3C3-related disorder. Also called: GTF3C3-related condition.

Allele frequency attached by ClinVar (database versions not stated): 1000 Genomes Project 30x 0.00047; 1000 Genomes Project 0.00060; ESP Exome Variant Server 0.00092; TOPMed 0.00106; gnomAD exomes 0.00159; gnomAD 0.00162; ExAC 0.00170.
gnomAD v4.1: 2,552 of 1,613,638 alleles (0.16%); highest among the groups gnomAD compares: Non-Finnish European, 0.16%; 3 homozygotes.

Submissions (9):

CeGaT Center for Human Genetics Tuebingen
Classification: Likely benign. Last evaluated: 2025-11-01. Review status: criteria provided, single submitter. Criteria: CeGaT Center For Human Genetics Tuebingen Variant Classification Criteria Version 2. Collection method: clinical testing. Allele origin: germline. Affected: yes. Observed: 2 variant alleles.
Comment: GTF3C3: PP3, BS2

PreventionGenetics, part of Exact Sciences
Classification: Benign for GTF3C3-related condition. Last evaluated: 2019-09-05. Review status: no assertion criteria provided. Collection method: clinical testing. Allele origin: germline. Not counted in ClinVar's aggregate classification.
Comment: This variant is classified as benign based on ACMG/AMP sequence variant interpretation guidelines (Richards et al. 2015 PMID: 25741868, with internal and published modifications).

Dr. Peter K. Rogan Lab, Western University
No classification provided (evidence only). Condition: Malignant tumor of urinary bladder. Review status: no classification provided. Collection method: in vitro. Allele origin: not applicable. Functional consequence: retained intron. Not counted in ClinVar's aggregate classification.

Dr. Peter K. Rogan Lab, Western University
No classification provided (evidence only). Condition: Melanoma. Review status: no classification provided. Collection method: in vitro. Allele origin: not applicable. Functional consequence: retained intron. Not counted in ClinVar's aggregate classification.

Dr. Peter K. Rogan Lab, Western University
No classification provided (evidence only). Condition: Familial cancer of breast. Review status: no classification provided. Collection method: in vitro. Allele origin: not applicable. Functional consequence: retained intron. Not counted in ClinVar's aggregate classification.

Dr. Peter K. Rogan Lab, Western University
No classification provided (evidence only). Condition: Colon adenocarcinoma. Review status: no classification provided. Collection method: in vitro. Allele origin: not applicable. Functional consequence: retained intron. Not counted in ClinVar's aggregate classification.

Dr. Peter K. Rogan Lab, Western University
No classification provided (evidence only). Condition: Colorectal cancer. Review status: no classification provided. Collection method: in vitro. Allele origin: not applicable. Functional consequence: retained intron. Not counted in ClinVar's aggregate classification.

Dr. Peter K. Rogan Lab, Western University
No classification provided (evidence only). Condition: Gastric cancer. Review status: no classification provided. Collection method: in vitro. Allele origin: not applicable. Functional consequence: retained intron. Not counted in ClinVar's aggregate classification.

Dr. Peter K. Rogan Lab, Western University
No classification provided (evidence only). Condition: Gastric cancer. Review status: no classification provided. Collection method: in vitro. Allele origin: not applicable. Functional consequence: retained intron. Not counted in ClinVar's aggregate classification.